The following is an entry in ClinVar:

ClinVar aggregate classification (germline): Pathogenic (1 of 4 stars; one submission).

Conditions:
Long QT syndrome (LQTS). Identifiers: MedGen C0023976, MeSH D008133, MONDO:0002442. Disease mechanism: loss of function. Inheritance: Various modes of inheritance.

Submission:

Labcorp Genetics (formerly Invitae), Labcorp
Classification: Pathogenic for Long QT syndrome. Last evaluated: 2022-10-28. Review status: criteria provided, single submitter. Criteria: Invitae Variant Classification Sherloc (09022015). Collection method: clinical testing. Allele origin: germline.
Comment: This premature translational stop signal has been observed in individual(s) with long QT syndrome (PMID: 19841300). For these reasons, this variant has been classified as Pathogenic. This variant disrupts a region of the KCNH2 protein in which other variant(s) (p.Pro1086Alafs*33) have been determined to be pathogenic (PMID: 19716085, 19841300, 21483829; Invitae). This suggests that this is a clinically significant region of the protein, and that variants that disrupt it are likely to be disease-causing. ClinVar contains an entry for this variant (Variation ID: 660047). This variant is also known as Ser1057fs/60. This variant is not present in population databases (gnomAD no frequency). This sequence change creates a premature translational stop signal (p.Ser1057Glufs*62) in the KCNH2 gene. While this is not anticipated to result in nonsense mediated decay, it is expected to disrupt the last 103 amino acid(s) of the KCNH2 protein.

Literature cited by the submitters: PubMed 19841300; PubMed 19716085; PubMed 21483829.

NM_000238.4(KCNH2):c.3167dup (p.Ser1057fs)

Gene: KCNH2 (potassium voltage-gated channel subfamily H member 2; minus strand). Cytogenetic location: 7q36.1.
Variant type: Duplication.
Coding change: c.3167dup on transcript NM_000238.4 (MANE Select); coding-DNA position 3167, one base duplicated (T; older notation c.3167dupT).
Protein change: p.Ser1057fs; shifts the reading frame from serine 1057.
Molecular consequence: frameshift variant.
Genome position (GRCh38, 1-based): chr7:150,947,040, A duplicated on the plus strand (T on the coding strand, the reverse complement: KCNH2 is on the minus strand). VCF-style (leftmost placement, unchanged base first): chr7-150947039-C-CA. GRCh37 (hg19) VCF-style: chr7-150644127-C-CA.
Other names: c.2147dup, p.Ser717fs (NM_172057.3); c.3167dupT (NM_000238.3); short protein forms S717fs, S1057fs.
Identifiers: ClinVar variation 660047 (VCV000660047.8), dbSNP rs1584842021, ClinGen allele CA915945565.